The following is an entry in ClinVar:

NM_000089.4(COL1A2):c.398G>T (p.Gly133Val)

Gene: COL1A2 (collagen type I alpha 2 chain; plus strand). Cytogenetic location: 7q21.3.
Variant type: single nucleotide variant.
Coding change: c.398G>T on transcript NM_000089.4 (MANE Select); coding-DNA position 398, G replaced by T.
Protein change: p.Gly133Val; replaces glycine 133 with valine.
Molecular consequence: missense variant.
Genome position (GRCh38, 1-based): chr7:94,404,858, G>T. VCF-style: chr7-94404858-G-T. GRCh37 (hg19) VCF-style: chr7-94034170-G-T.
Other names: short protein forms G133V.
Identifiers: ClinVar variation 571134 (VCV000571134.11), dbSNP rs1562899031, ClinGen allele CA368219680.

ClinVar aggregate classification (germline): Likely pathogenic (1 of 4 stars; one submission).

Conditions:
Osteogenesis imperfecta type I (OI1). Also called: OI, TYPE I; OSTEOGENESIS IMPERFECTA TARDA; OSTEOGENESIS IMPERFECTA WITH BLUE SCLERAE; Lobstein's Disease; Classic Non-deforming Osteogenesis Imperfecta with Blue Sclerae; Lobstein disease. Identifiers: Orphanet 216796, Orphanet 666, MedGen C0023931, MONDO:0008146, OMIM 166200. Disease mechanism: loss of function.
Ehlers-Danlos syndrome, classic type, 1 (EDSCL1). Also called: Ehlers-Danlos Syndrome, Classic Type, COL5A1-Related; EDS I; Ehlers-Danlos syndrome, type 1; EHLERS-DANLOS SYNDROME, GRAVIS TYPE; EHLERS-DANLOS SYNDROME, SEVERE CLASSIC TYPE. Identifiers: MedGen C0268335, MONDO:0019567, OMIM 130000.

Submission:

Labcorp Genetics (formerly Invitae), Labcorp
Classification: Likely pathogenic for Osteogenesis imperfecta type I; Ehlers-Danlos syndrome, classic type, 1. Last evaluated: 2018-08-28. Review status: criteria provided, single submitter. Criteria: Invitae Variant Classification Sherloc (09022015). Collection method: clinical testing. Allele origin: germline.
Comment: In summary, the currently available evidence indicates that the variant is pathogenic, but additional data are needed to prove that conclusively. Therefore, this variant has been classified as Likely Pathogenic. Glycine residues within the Gly-Xaa-Yaa repeats of the triple helix domain are required for the structure and stability of fibrillar collagens (PMID: 7695699, 8218237, 19344236). In COL1A2, missense variants at these glycine residues are significantly enriched in individuals with disease (PMID: 9016532, 17078022) compared to the general population (ExAC). This variant has not been reported in the literature in individuals with COL1A2-related disease. This variant is not present in population databases (ExAC no frequency). This sequence change replaces glycine with valine at codon 133 of the COL1A2 protein (p.Gly133Val). The glycine residue is highly conserved and there is a moderate physicochemical difference between glycine and valine.

Literature cited by the submitters: PubMed 7695699; PubMed 8218237; PubMed 19344236; PubMed 9016532; PubMed 17078022.